The following is an entry in ClinVar:

NM_004656.4(BAP1):c.1188TGA[1] (p.Asp397del)

Gene: BAP1 (BRCA1 associated deubiquitinase 1; minus strand). Cytogenetic location: 3p21.1.
Variant type: Microsatellite.
Coding change: c.1188TGA[1] on transcript NM_004656.4 (MANE Select); one copy of the 3-base unit TGA starting at c.1188; the reference has two copies in a row; one copy, 3 bases deleted; also written c.1191_1193del.
Protein change: p.Asp397del; deletes aspartic acid 397.
Molecular consequence: inframe deletion. On other transcripts: inframe indel (3).
Genome position (GRCh38, 1-based): chr3:52,404,510-52,404,512, TCA deleted on the plus strand (TGA on the coding strand, the reverse complement: BAP1 is on the minus strand); deleting any 3 consecutive bases within chr3:52,404,510-52,404,517 gives the same sequence; the position shown is the placement nearest the transcript's 3' end. VCF-style (leftmost placement, unchanged base first): chr3-52404509-CTCA-C. GRCh37 (hg19) VCF-style: chr3-52438525-CTCA-C.
Other names: c.1132_1134GAT[1], p.Asp379del (NM_001410772.1); c.1186_1188GAT[1], p.Asp397del (NM_004656.2); c.1191_1193delTGA (NM_004656.2); c.1191_1193del (NM_004656.3); short protein forms D379del, D397del.
Identifiers: ClinVar variation 1744835 (VCV001744835.5), dbSNP rs2471332956, ClinGen allele CA2580616473.

ClinVar aggregate classification (germline): Uncertain significance. Review status: criteria provided, multiple submitters, no conflicts (2 of 4 stars). 3 submissions from 3 submitters: Uncertain significance (3). Last evaluated 2024-07-25.

Conditions:
Hereditary cancer-predisposing syndrome. Also called: Hereditary Cancer Syndrome; Neoplastic Syndromes, Hereditary; Tumor predisposition; Hereditary neoplastic syndrome. Identifiers: Orphanet 140162, MedGen C0027672, MeSH D009386, MONDO:0015356.
BAP1-related tumor predisposition syndrome (TPDS1). Also called: Tumor susceptibility linked to germline BAP1 mutations; COMMON Syndrome; TUMOR PREDISPOSITION SYNDROME 1; BAP1 tumor predisposition syndrome. Identifiers: Orphanet 289539, MedGen C3280492, MONDO:0013692, OMIM 614327.

Submissions (3):

Labcorp Genetics (formerly Invitae), Labcorp
Classification: Uncertain significance for BAP1-related tumor predisposition syndrome. Last evaluated: 2024-07-25. Review status: criteria provided, single submitter. Criteria: Invitae Variant Classification Sherloc (09022015). Collection method: clinical testing. Allele origin: germline.
Comment: This variant, c.1191_1193del, results in the deletion of 1 amino acid(s) of the BAP1 protein (p.Asp397del), but otherwise preserves the integrity of the reading frame. This variant is not present in population databases (gnomAD no frequency). This variant has not been reported in the literature in individuals affected with BAP1-related conditions. ClinVar contains an entry for this variant (Variation ID: 1744835). Experimental studies and prediction algorithms are not available or were not evaluated, and the functional significance of this variant is currently unknown. In summary, the available evidence is currently insufficient to determine the role of this variant in disease. Therefore, it has been classified as a Variant of Uncertain Significance.

GeneDx
Classification: Uncertain significance. Last evaluated: 2022-12-21. Review status: criteria provided, single submitter. Criteria: GeneDx Variant Classification Process June 2021. Collection method: clinical testing. Allele origin: germline. Affected: yes.
Comment: In-frame deletion of 1 amino acid in a non-repeat region; Not observed at significant frequency in large population cohorts (gnomAD); In silico analysis supports a deleterious effect on protein structure/function; Has not been previously published as pathogenic or benign to our knowledge

Ambry Genetics
Classification: Uncertain significance for Hereditary cancer-predisposing syndrome. Last evaluated: 2022-09-29. Review status: criteria provided, single submitter. Criteria: Ambry Variant Classification Scheme 2023. Collection method: clinical testing. Allele origin: germline.
Comment: The c.1191_1193delTGA variant (also known as p.D397del) is located in coding exon 12 of the BAP1 gene. This variant results from an in-frame TGA deletion at nucleotide positions 1191 to 1193. This results in the in-frame deletion of an aspartic acid at codon 397. This amino acid position is highly conserved in available vertebrate species. In addition, the in silico prediction for this alteration is inconclusive (Choi Y et al. PLoS ONE. 2012; 7(10):e46688). Since supporting evidence is limited at this time, the clinical significance of this alteration remains unclear.